The following is an entry in ClinVar:

ClinVar aggregate classification (germline): Uncertain significance (1 of 4 stars; one submission).

Conditions:
EGFR-related lung cancer (EGFR). Identifiers: MedGen CN130014.

Submission:

Labcorp Genetics (formerly Invitae), Labcorp
Classification: Uncertain significance for EGFR-related lung cancer. Last evaluated: 2019-09-14. Review status: criteria provided, single submitter. Criteria: Invitae Variant Classification Sherloc (09022015). Collection method: clinical testing. Allele origin: germline.
Comment: In summary, the available evidence is currently insufficient to determine the role of this variant in disease. Therefore, it has been classified as a Variant of Uncertain Significance. Algorithms developed to predict the effect of missense changes on protein structure and function are either unavailable or do not agree on the potential impact of this missense change (SIFT: "Tolerated"; PolyPhen-2: "Probably Damaging"; Align-GVGD: "Class C0"). This variant has not been reported in the literature in individuals with EGFR-related conditions. This variant is not present in population databases (ExAC no frequency). This sequence change replaces glycine with arginine at codon 665 of the EGFR protein (p.Gly665Arg). The glycine residue is moderately conserved and there is a moderate physicochemical difference between glycine and arginine.

NM_005228.5(EGFR):c.1993G>C (p.Gly665Arg)

Gene: EGFR (epidermal growth factor receptor; plus strand). Cytogenetic location: 7p11.2.
Variant type: single nucleotide variant.
Coding change: c.1993G>C on transcript NM_005228.5 (MANE Select); coding-DNA position 1993, G replaced by C.
Protein change: p.Gly665Arg; replaces glycine 665 with arginine.
Molecular consequence: missense variant.
Genome position (GRCh38, 1-based): chr7:55,173,056, G>C. VCF-style: chr7-55173056-G-C. GRCh37 (hg19) VCF-style: chr7-55240749-G-C.
Other names: c.1858G>C, p.Gly620Arg (NM_001346897.2, NM_001346899.2); c.1993G>C, p.Gly665Arg (NM_001346898.2); c.1834G>C, p.Gly612Arg (NM_001346900.2); c.1192G>C, p.Gly398Arg (NM_001346941.2); short protein forms G620R, G398R, G612R, G665R.
Identifiers: ClinVar variation 943553 (VCV000943553.9), dbSNP rs745422316, ClinGen allele CA367583088.
Genomic context (GRCh38, chr7:55,173,056, plus strand): 5'-TCCATCGCCACTGGGATGGTGGGGGCCCTCCTCTTGCTGCTGGTGGTGGCCCTGGGGATC[G>C]GCCTCTTCATGCGAAGGCGCCACATCGTTCGGAAGCGCACGCTGCGGAGGCTGCTGCAGG-3'
Protein context (NP_005219.2, residues 655-675): LLLLVVALGI[Gly665Arg]LFMRRRHIVR